The following is an entry in ClinVar:

ClinVar aggregate classification (germline): Uncertain significance (1 of 4 stars; one submission).

Conditions:
Renal cell carcinoma. Identifiers: Orphanet 217071, MedGen C0007134, MeSH D002292, MONDO:0005086, HP:0005584.

Allele frequency attached by ClinVar (database versions not stated): gnomAD exomes 0.00001.
gnomAD v4.1: 5 of 1,614,244 alleles (0.00031%); highest among the groups gnomAD compares: Non-Finnish European, 0.00042%; no homozygotes.

Submission:

Labcorp Genetics (formerly Invitae), Labcorp
Classification: Uncertain significance for Renal cell carcinoma. Last evaluated: 2024-08-26. Review status: criteria provided, single submitter. Criteria: Invitae Variant Classification Sherloc (09022015). Collection method: clinical testing. Allele origin: germline.
Comment: This sequence change replaces serine, which is neutral and polar, with glycine, which is neutral and non-polar, at codon 1074 of the MET protein (p.Ser1074Gly). This variant is not present in population databases (gnomAD no frequency). This variant has not been reported in the literature in individuals affected with MET-related conditions. Invitae Evidence Modeling of protein sequence and biophysical properties (such as structural, functional, and spatial information, amino acid conservation, physicochemical variation, residue mobility, and thermodynamic stability) indicates that this missense variant is not expected to disrupt MET protein function with a negative predictive value of 80%. In summary, the available evidence is currently insufficient to determine the role of this variant in disease. Therefore, it has been classified as a Variant of Uncertain Significance.

NM_000245.4(MET):c.3166A>G (p.Ser1056Gly)

Gene: MET (MET proto-oncogene, receptor tyrosine kinase; plus strand). Cytogenetic location: 7q31.2.
Variant type: single nucleotide variant.
Coding change: c.3166A>G on transcript NM_000245.4 (MANE Select); coding-DNA position 3166, A replaced by G.
Protein change: p.Ser1056Gly; replaces serine 1056 with glycine.
Molecular consequence: missense variant.
Genome position (GRCh38, 1-based): chr7:116,775,018, A>G. VCF-style: chr7-116775018-A-G. GRCh37 (hg19) VCF-style: chr7-116415072-A-G.
Other names: c.3220A>G, p.Ser1074Gly (NM_001127500.3); c.1876A>G, p.Ser626Gly (NM_001324402.2); short protein forms S1056G, S1074G, S626G.
Identifiers: ClinVar variation 2837248 (VCV002837248.3), dbSNP rs2117031204, ClinGen allele CA368988437.
Genomic context (GRCh38, chr7:116,775,018, plus strand): 5'-ACTAGTGGGGACTCTGATATATCCAGTCCATTACTGCAAAATACTGTCCACATTGACCTC[A>G]GTGCTCTAAATCCAGAGCTGGTCCAGGCAGTGCAGCATGTAGTGATTGGGCCCAGTAGCC-3'
Protein context (NP_000236.2, residues 1046-1066): LLQNTVHIDL[Ser1056Gly]ALNPELVQAV